The following is an entry in ClinVar:

ClinVar aggregate classification (germline): Likely pathogenic (1 of 4 stars; one submission).

Conditions:
Intellectual developmental disorder, autosomal dominant 57. Also called: MENTAL RETARDATION, AUTOSOMAL DOMINANT 57; Intellectual disability, autosomal dominant 57. Identifiers: MedGen C4748003, MONDO:0054837, OMIM 618050.

Submission:

Juno Genomics, Hangzhou Juno Genomics, Inc
Classification: Likely pathogenic for Intellectual developmental disorder, autosomal dominant 57. Review status: criteria provided, single submitter. Criteria: ACMG Guidelines, 2015. Collection method: clinical testing. Allele origin: germline.
Comment: Null variant in a gene where loss of function (LOF) is a known mechanism of disease.;Absent from controls (or at extremely low frequency if recessive) in Genome Aggregation Database.

NM_006852.6(TLK2):c.1368+2T>C

Gene: TLK2 (tousled like kinase 2; plus strand). Cytogenetic location: 17q23.2.
Variant type: single nucleotide variant.
Coding change: c.1368+2T>C on transcript NM_006852.6 (MANE Select); the canonical splice donor site of the intron after coding-DNA position 1368, T replaced by C.
Molecular consequence: splice donor variant.
Genome position (GRCh38, 1-based): chr17:62,580,194, T>C. VCF-style: chr17-62580194-T-C. GRCh37 (hg19) VCF-style: chr17-60657555-T-C.
Other names: c.1368+2T>C (NM_001375271.1, NM_001375270.1); c.1272+2T>C (NM_001438204.1, NM_001375272.1, NM_001438203.1 and 1 more transcripts); c.921+2T>C (NM_001375273.1, NM_001330418.3); c.1083+2T>C (NM_001411074.1); c.1179+2T>C (NM_001438205.1); c.1434+2T>C (NM_001284333.3); c.1410+2T>C (NM_001375269.1).
Identifiers: ClinVar variation 5005790 (VCV005005790.2).